The following is an entry in ClinVar:

NM_001330260.2(SCN8A):c.5521C>G (p.Arg1841Gly)

Gene: SCN8A (sodium voltage-gated channel alpha subunit 8; plus strand). Cytogenetic location: 12q13.13.
Variant type: single nucleotide variant.
Coding change: c.5521C>G on transcript NM_001330260.2 (MANE Select); coding-DNA position 5521, C replaced by G.
Protein change: p.Arg1841Gly; replaces arginine 1841 with glycine.
Molecular consequence: missense variant.
Genome position (GRCh38, 1-based): chr12:51,807,007, C>G. VCF-style: chr12-51807007-C-G. GRCh37 (hg19) VCF-style: chr12-52200791-C-G.
Other names: c.5398C>G, p.Arg1800Gly (NM_001177984.3, NM_001369788.1); c.5521C>G, p.Arg1841Gly (NM_014191.4); short protein forms R1800G, R1841G.
Identifiers: ClinVar variation 4801291 (VCV004801291.1).

ClinVar aggregate classification (germline): Uncertain significance (1 of 4 stars; one submission).

Conditions:
Early-infantile DEE. Also called: Early infantile epileptic encephalopathy with suppression bursts; Early infantile epileptic encephalopathy; Ohtahara syndrome. Identifiers: Orphanet 1934, MedGen C0393706, MONDO:0800491.

Submission:

Labcorp Genetics (formerly Invitae), Labcorp
Classification: Uncertain significance for Early-infantile DEE. Last evaluated: 2025-04-21. Review status: criteria provided, single submitter. Criteria: Invitae Variant Classification Sherloc (09022015). Collection method: clinical testing. Allele origin: germline.
Comment: This sequence change replaces arginine, which is basic and polar, with glycine, which is neutral and non-polar, at codon 1841 of the SCN8A protein (p.Arg1841Gly). This variant is not present in population databases (gnomAD no frequency). This variant has not been reported in the literature in individuals affected with SCN8A-related conditions. Invitae Evidence Modeling of protein sequence and biophysical properties (such as structural, functional, and spatial information, amino acid conservation, physicochemical variation, residue mobility, and thermodynamic stability) indicates that this missense variant is expected to disrupt SCN8A protein function with a positive predictive value of 80%. In summary, the available evidence is currently insufficient to determine the role of this variant in disease. Therefore, it has been classified as a Variant of Uncertain Significance.